The following is an entry in ClinVar:

ClinVar aggregate classification (germline): Benign/Likely benign. Review status: criteria provided, multiple submitters, no conflicts (2 of 4 stars). 3 submissions from 3 submitters: Benign (1); Likely benign (2). Last evaluated 2026-03-01.

Allele frequency attached by ClinVar (database versions not stated): ESP Exome Variant Server 0.00008; 1000 Genomes Project 0.00020; 1000 Genomes Project 30x 0.00031; TOPMed 0.00038.
gnomAD v4.1: 320 of 1,613,814 alleles (0.02%); highest among the groups gnomAD compares: Admixed American, 0.16%; no homozygotes.

Submissions (3):

CeGaT Center for Human Genetics Tuebingen
Classification: Likely benign. Last evaluated: 2026-03-01. Review status: criteria provided, single submitter. Criteria: CeGaT Center For Human Genetics Tuebingen Variant Classification Criteria Version 2. Collection method: clinical testing. Allele origin: germline. Affected: yes. Observed: 1 variant allele.
Comment: DVL3: BP4, BP7, BS1

Labcorp Genetics (formerly Invitae), Labcorp
Classification: Benign. Last evaluated: 2025-10-07. Review status: criteria provided, single submitter. Criteria: Invitae Variant Classification Sherloc (09022015). Collection method: clinical testing. Allele origin: germline.

Blueprint Genetics
Classification: Likely benign. Last evaluated: 2024-08-23. Review status: criteria provided, single submitter. Criteria: ACMG Guidelines, 2015. Collection method: clinical testing. Allele origin: germline.

NM_004423.4(DVL3):c.516T>C (p.Gly172=)

Gene: DVL3 (dishevelled segment polarity protein 3; plus strand). Cytogenetic location: 3q27.1.
Variant type: single nucleotide variant.
Coding change: c.516T>C on transcript NM_004423.4 (MANE Select); coding-DNA position 516, T replaced by C.
Protein change: p.Gly172=; no amino-acid change (glycine 172 retained).
Molecular consequence: synonymous variant.
Genome position (GRCh38, 1-based): chr3:184,164,848, T>C. VCF-style: chr3-184164848-T-C. GRCh37 (hg19) VCF-style: chr3-183882636-T-C.
Identifiers: ClinVar variation 1166538 (VCV001166538.12), dbSNP rs202225705, ClinGen allele CA2727123.